The following is an entry in ClinVar:

ClinVar aggregate classification (germline): Uncertain significance (1 of 4 stars; one submission).

Submission:

GeneDx
Classification: Uncertain significance. Last evaluated: 2024-07-09. Review status: criteria provided, single submitter. Criteria: GeneDx Variant Classification Process June 2021. Collection method: clinical testing. Allele origin: germline. Affected: yes.
Comment: Not observed at significant frequency in large population cohorts (gnomAD); Frameshift variant predicted to result in protein truncation or nonsense mediated decay in a gene or region of a gene for which loss of function is not a well-established mechanism of disease; Has not been previously published as pathogenic or benign to our knowledge

NM_001318510.2(ACSL4):c.1741del (p.Arg581fs)

Gene: ACSL4 (acyl-CoA synthetase long chain family member 4; minus strand). Cytogenetic location: Xq23.
Variant type: Deletion.
Coding change: c.1741del on transcript NM_001318510.2 (MANE Select); coding-DNA position 1741, one base deleted (A; older notation c.1741delA).
Protein change: p.Arg581fs; shifts the reading frame from arginine 581.
Molecular consequence: frameshift variant.
Genome position (GRCh38, 1-based): chrX:109,659,468, T deleted on the plus strand (A on the coding strand, the reverse complement: ACSL4 is on the minus strand); the first of 4 consecutive T bases (chrX:109,659,468-109,659,471); deleting any one gives the same sequence. VCF-style (leftmost placement, unchanged base first): chrX-109659467-CT-C. GRCh37 (hg19) VCF-style: chrX-108902696-CT-C.
Other names: c.1864del, p.Arg622fs (NM_001318509.2, NM_022977.3); c.1741del, p.Arg581fs (NM_004458.3); short protein forms R622fs, R581fs.
Identifiers: ClinVar variation 3572672 (VCV003572672.1).